The following is an entry in ClinVar:

NM_177438.3(DICER1):c.1796C>T (p.Thr599Ile)

Gene: DICER1 (dicer 1, ribonuclease III; minus strand). Cytogenetic location: 14q32.13.
Variant type: single nucleotide variant.
Coding change: c.1796C>T on transcript NM_177438.3 (MANE Select); coding-DNA position 1796, C replaced by T.
Protein change: p.Thr599Ile; replaces threonine 599 with isoleucine.
Molecular consequence: missense variant. On other transcripts: non-coding transcript variant (6).
Genome position (GRCh38, 1-based): chr14:95,115,778, G>A on the plus strand (C>T on the coding strand, the complement: DICER1 is on the minus strand). VCF-style: chr14-95115778-G-A. GRCh37 (hg19) VCF-style: chr14-95582115-G-A.
Other names: c.1796C>T, p.Thr599Ile (NM_001195573.1, NM_001271282.3, NM_001291628.2 and 12 more transcripts); c.1514C>T, p.Thr505Ile (NM_001395686.1); c.1391C>T, p.Thr464Ile (NM_001395687.1, NM_001395688.1, NM_001395689.1 and 3 more transcripts); c.1229C>T, p.Thr410Ile (NM_001395691.1); c.113C>T, p.Thr38Ile (NM_001395697.1); short protein forms T38I, T505I, T464I, T410I, T599I.
Identifiers: ClinVar variation 4240545 (VCV004240545.1).

ClinVar aggregate classification (germline): Uncertain significance (1 of 4 stars; one submission).

Conditions:
Hereditary cancer-predisposing syndrome. Also called: Hereditary Cancer Syndrome; Hereditary neoplastic syndrome; Neoplastic Syndromes, Hereditary; Tumor predisposition. Identifiers: Orphanet 140162, MedGen C0027672, MeSH D009386, MONDO:0015356.

Submission:

Ambry Genetics
Classification: Uncertain significance for Hereditary cancer-predisposing syndrome. Last evaluated: 2025-09-08. Review status: criteria provided, single submitter. Criteria: Ambry Variant Classification Scheme 2023. Collection method: clinical testing. Allele origin: germline.
Comment: The p.T599I variant (also known as c.1796C>T), located in coding exon 10 of the DICER1 gene, results from a C to T substitution at nucleotide position 1796. The threonine at codon 599 is replaced by isoleucine, an amino acid with similar properties. This amino acid position is conserved. In addition, this alteration is predicted to be tolerated by in silico analysis. Based on the available evidence, the clinical significance of this variant remains unclear.